The following is an entry in ClinVar:

NM_170606.3(KMT2C):c.7443-13_7443-6del

Gene: KMT2C (lysine methyltransferase 2C; minus strand). Cytogenetic location: 7q36.1.
Variant type: Deletion.
Coding change: c.7443-13_7443-6del on transcript NM_170606.3 (MANE Select); 13 bases into the intron before coding-DNA position 7443 through 6 bases into the intron before coding-DNA position 7443, 8 bases deleted (TTTTTTTT; older notation c.7443-13_7443-6delTTTTTTTT).
Molecular consequence: intron variant.
Genome position (GRCh38, 1-based): chr7:152,178,016-152,178,023, AAAAAAAA deleted on the plus strand (TTTTTTTT on the coding strand, the reverse complement: KMT2C is on the minus strand); deleting any 8 consecutive bases within chr7:152,178,016-152,178,042 gives the same sequence; the c. name uses the placement nearest the transcript's 3' end. VCF-style (leftmost placement, unchanged base first): chr7-152178015-TAAAAAAAA-T. GRCh37 (hg19) VCF-style: chr7-151875100-TAAAAAAAA-T.
Other names: NC_000007.13:g.151875120_151875127del; c.7443-32_7443-25del (NM_170606.3).
Identifiers: ClinVar variation 3388180 (VCV003388180.14).

ClinVar aggregate classification (germline): Likely benign (1 of 4 stars; one submission).

Submissions (2):

CeGaT Center for Human Genetics Tuebingen
Classification: Likely benign. Last evaluated: 2026-02-01. Review status: criteria provided, single submitter. Criteria: CeGaT Center For Human Genetics Tuebingen Variant Classification Criteria Version 2. Collection method: clinical testing. Allele origin: germline. Affected: yes. Observed: 2 variant alleles.
Comment: KMT2C: BP4, BS1

Dr. Peter K. Rogan Lab, Western University
No classification provided (evidence only). Condition: Uterine corpus endometrial carcinoma. Review status: no classification provided. Collection method: in vitro. Allele origin: not applicable. Functional consequence: retained intron. Not counted in ClinVar's aggregate classification.